The following is an entry in ClinVar:

NM_024675.4(PALB2):c.3201+112A>G

Gene: PALB2 (partner and localizer of BRCA2; minus strand). Cytogenetic location: 16p12.2.
Variant type: single nucleotide variant.
Coding change: c.3201+112A>G on transcript NM_024675.4 (MANE Select); 112 bases into the intron after coding-DNA position 3201, A replaced by G.
Molecular consequence: intron variant.
Genome position (GRCh38, 1-based): chr16:23,613,892, T>C on the plus strand (A>G on the coding strand, the complement: PALB2 is on the minus strand). VCF-style: chr16-23613892-T-C. GRCh37 (hg19) VCF-style: chr16-23625213-T-C.
Identifiers: ClinVar variation 126720 (VCV000126720.3), dbSNP rs376034945, ClinGen allele CA269605.

ClinVar aggregate classification (germline): Uncertain significance (0 of 4 stars; one submission).

Conditions:
Familial cancer of breast. Also called: BREAST CANCER, FAMILIAL; hereditary breast carcinoma; Hereditary breast cancer. Identifiers: Orphanet 227535, MedGen C0346153, MONDO:0016419, OMIM 114480. Disease mechanism: loss of function.

Allele frequency attached by ClinVar (database versions not stated): gnomAD 0.00011 and 0.00013; TOPMed 0.00011.
gnomAD v4.1: 23 of 781,904 alleles (0.0029%); highest among the groups gnomAD compares: African/African-American, 0.038%; no homozygotes.

Submission:

Leiden Open Variation Database
Classification: Uncertain significance for Familial cancer of breast. Last evaluated: 2019-05-13. Review status: no assertion criteria provided. Collection method: curation. Allele origin: germline. Affected: yes.
Comment: Curators: Marc Tischkowitz, Arleen D. Auerbach. Submitter to LOVD: Marc Tischkowitz.

Literature cited by the submitters: PubMed 21932393.